The following is an entry in ClinVar:

ClinVar aggregate classification (germline): Likely benign. Review status: criteria provided, multiple submitters, no conflicts (2 of 4 stars). 4 submissions from 4 submitters: Likely benign (3). 1 of the submissions does not count toward it. Last evaluated 2022-01-12.

Conditions:
Hirschsprung disease, susceptibility to, 3. Identifiers: Orphanet 388, MedGen C3150974, MONDO:0013383, OMIM 613711.
GDNF-related disorder. Also called: GDNF-related condition.

Allele frequency attached by ClinVar (database versions not stated): 1000 Genomes Project 30x 0.00031; ExAC 0.00003; TOPMed 0.00012; gnomAD exomes 0.00001 and 0.00003; ESP Exome Variant Server 0.00015; gnomAD 0.00015; 1000 Genomes Project 0.00020.
gnomAD v4.1: 36 of 1,613,632 alleles (0.0022%); highest among the groups gnomAD compares: African/African-American, 0.043%; no homozygotes.

Submissions (4):

Fulgent Genetics
Classification: Likely benign for Hirschsprung disease, susceptibility to, 3. Last evaluated: 2022-01-12. Review status: criteria provided, single submitter. Criteria: ACMG Guidelines, 2015. Collection method: clinical testing. Allele origin: unknown.

Labcorp Genetics (formerly Invitae), Labcorp
Classification: Likely benign. Last evaluated: 2018-10-09. Review status: criteria provided, single submitter. Criteria: Invitae Variant Classification Sherloc (09022015). Collection method: clinical testing. Allele origin: germline.

Laboratory for Molecular Medicine, Mass General Brigham Personalized Medicine
Classification: Likely benign. Last evaluated: 2016-03-16. Review status: criteria provided, single submitter. Criteria: LMM Criteria. Collection method: clinical testing. Allele origin: germline. Observed: 1 variant allele.
Comment: p.Arg91Arg in exon 3 of GDNF: This variant is not expected to have clinical sign ificance because it does not alter an amino acid residue and is not located with in the splice consensus sequence. It has been identified in 4/10170 African chro mosomes by the Exome Aggregation Consortium (ExAC, g; dbSNP rs139694199).

PreventionGenetics, part of Exact Sciences
Classification: Likely benign for GDNF-related condition. Last evaluated: 2019-10-28. Review status: no assertion criteria provided. Collection method: clinical testing. Allele origin: germline. Not counted in ClinVar's aggregate classification.
Comment: This variant is classified as likely benign based on ACMG/AMP sequence variant interpretation guidelines (Richards et al. 2015 PMID: 25741868, with internal and published modifications).

NM_000514.4(GDNF):c.222A>G (p.Arg74=)

Gene: GDNF (glial cell derived neurotrophic factor; minus strand). Cytogenetic location: 5p13.2.
Variant type: single nucleotide variant.
Coding change: c.222A>G on transcript NM_000514.4 (MANE Select); coding-DNA position 222, A replaced by G.
Protein change: p.Arg74=; no amino-acid change (arginine 74 retained).
Molecular consequence: synonymous variant.
Genome position (GRCh38, 1-based): chr5:37,816,065, T>C on the plus strand (A>G on the coding strand, the complement: GDNF is on the minus strand). VCF-style: chr5-37816065-T-C. GRCh37 (hg19) VCF-style: chr5-37816167-T-C.
Other names: c.273A>G, p.Arg91= (NM_001190468.1); c.195A>G, p.Arg65= (NM_001190469.1); c.66A>G, p.Arg22= (NM_001278098.1); c.144A>G, p.Arg48= (NM_199231.2).
Identifiers: ClinVar variation 227376 (VCV000227376.10), dbSNP rs139694199, ClinGen allele CA3241217.